The following is an entry in ClinVar:

NM_001374353.1(GLI2):c.4527G>A (p.Ser1509=)

Gene: GLI2 (GLI family zinc finger 2; plus strand). Cytogenetic location: 2q14.2.
Variant type: single nucleotide variant.
Coding change: c.4527G>A on transcript NM_001374353.1 (MANE Select); coding-DNA position 4527, G replaced by A.
Protein change: p.Ser1509=; no amino-acid change (serine 1509 retained).
Molecular consequence: synonymous variant.
Genome position (GRCh38, 1-based): chr2:120,990,492, G>A. VCF-style: chr2-120990492-G-A. GRCh37 (hg19) VCF-style: chr2-121748068-G-A.
Other names: c.4578G>A, p.Ser1526= (NM_001371271.1, NM_005270.5); c.4152G>A, p.Ser1384= (NM_001374354.1); c.4578G>A (NM_005270.4).
Identifiers: ClinVar variation 2651322 (VCV002651322.25), dbSNP rs148037618, ClinGen allele CA1852661.

ClinVar aggregate classification (germline): Likely benign. Review status: criteria provided, multiple submitters, no conflicts (2 of 4 stars). 2 submissions from 2 submitters: Likely benign (2). Last evaluated 2026-03-27.

Conditions:
GLI2-related disorder. Also called: GLI2-related condition; GLI2-related disorders.

Allele frequency attached by ClinVar (database versions not stated): gnomAD 0.00002; gnomAD exomes 0.00002; ExAC 0.00003; TOPMed 0.00003; ESP Exome Variant Server 0.00008.

Submissions (2):

PreventionGenetics, part of Exact Sciences
Classification: Likely benign for GLI2-related condition. Last evaluated: 2026-03-27. Review status: criteria provided, single submitter. Criteria: ACMG Guidelines, 2015. Collection method: clinical testing. Allele origin: germline.
Comment: This variant is classified as likely benign based on ACMG/AMP sequence variant interpretation guidelines (Richards et al. 2015 PMID: 25741868, with internal and published modifications).

CeGaT Center for Human Genetics Tuebingen
Classification: Likely benign. Last evaluated: 2022-09-01. Review status: criteria provided, single submitter. Criteria: CeGaT Center For Human Genetics Tuebingen Variant Classification Criteria Version 2. Collection method: clinical testing. Allele origin: germline. Affected: yes. Observed: 1 variant allele.
Comment: GLI2: BP4, BP7